The following is an entry in ClinVar:

ClinVar aggregate classification (germline): Uncertain significance (1 of 4 stars; one submission).

Submission:

Ambry Genetics
Classification: Uncertain significance. Last evaluated: 2022-04-19. Review status: criteria provided, single submitter. Criteria: Ambry Variant Classification Scheme 2023. Collection method: clinical testing. Allele origin: germline.
Comment: The p.T154A variant (also known as c.460A>G), located in coding exon 4 of the BUB3 gene, results from an A to G substitution at nucleotide position 460. The threonine at codon 154 is replaced by alanine, an amino acid with similar properties. This amino acid position is conserved. In addition, the in silico prediction for this alteration is inconclusive. Since supporting evidence is limited at this time, the clinical significance of this alteration remains unclear.

NM_004725.4(BUB3):c.460A>G (p.Thr154Ala)

Gene: BUB3 (BUB3 mitotic checkpoint protein; plus strand). Cytogenetic location: 10q26.13.
Variant type: single nucleotide variant.
Coding change: c.460A>G on transcript NM_004725.4 (MANE Select); coding-DNA position 460, A replaced by G.
Protein change: p.Thr154Ala; replaces threonine 154 with alanine.
Molecular consequence: missense variant.
Genome position (GRCh38, 1-based): chr10:123,160,449, A>G. VCF-style: chr10-123160449-A-G. GRCh37 (hg19) VCF-style: chr10-124919965-A-G.
Other names: c.460A>G, p.Thr154Ala (NM_001007793.3); short protein forms T154A.
Identifiers: ClinVar variation 1741863 (VCV001741863.3), dbSNP rs2493763168, ClinGen allele CA378626143.